The following is an entry in ClinVar:

NM_133259.4(LRPPRC):c.2630-1G>A

Gene: LRPPRC (leucine rich pentatricopeptide repeat containing; minus strand). Cytogenetic location: 2p21.
Variant type: single nucleotide variant.
Coding change: c.2630-1G>A on transcript NM_133259.4 (MANE Select); the canonical splice acceptor site of the intron before coding-DNA position 2630, G replaced by A.
Molecular consequence: splice acceptor variant.
Genome position (GRCh38, 1-based): chr2:43,934,297, C>T on the plus strand (G>A on the coding strand, the complement: LRPPRC is on the minus strand). VCF-style: chr2-43934297-C-T. GRCh37 (hg19) VCF-style: chr2-44161436-C-T.
Identifiers: ClinVar variation 5004495 (VCV005004495.1).

ClinVar aggregate classification (germline): Likely pathogenic (1 of 4 stars; one submission).

Conditions:
Congenital lactic acidosis, Saguenay-Lac-Saint-Jean type (MC4DN5). Also called: CYTOCHROME c OXIDASE DEFICIENCY, FRENCH CANADIAN TYPE; COX DEFICIENCY, FRENCH CANADIAN TYPE; MITOCHONDRIAL COMPLEX IV DEFICIENCY, NUCLEAR TYPE 5. Identifiers: Orphanet 70472, MedGen C1857355, MONDO:0009069, OMIM 220111.

Submission:

Myriad Genetics, Inc.
Classification: Likely pathogenic for Congenital lactic acidosis, Saguenay-Lac-Saint-Jean type. Last evaluated: 2026-02-25. Review status: criteria provided, single submitter. Criteria: Myriad Autosomal Dominant, Autosomal Recessive and X-Linked Classification Criteria (2023). Collection method: clinical testing. Allele origin: unknown.
Comment: NM_133259.3(LRPPRC):c.2630-1G>A is a variant in a canonical splice site classified as likely pathogenic in the context of Leigh syndrome, French-Canadian type. c.2630-1G>A has not been observed in cases with relevant disease. Relevant functional assessments of this variant are not available in the literature. c.2630-1G>A has not been observed in referenced population frequency databases. In summary, NM_133259.3(LRPPRC):c.2630-1G>A is a variant in a canonical splice site in a gene where loss of function is a known mechanism of disease and is predicted to disrupt protein function. Please note: this variant was assessed in the context of healthy population screening.